The following is an entry in ClinVar:

ClinVar aggregate classification (germline): Uncertain significance (1 of 4 stars; one submission).

Submission:

Labcorp Genetics (formerly Invitae), Labcorp
Classification: Uncertain significance. Last evaluated: 2025-06-25. Review status: criteria provided, single submitter. Criteria: Invitae Variant Classification Sherloc (09022015). Collection method: clinical testing. Allele origin: germline.
Comment: This sequence change replaces arginine, which is basic and polar, with glycine, which is neutral and non-polar, at codon 115 of the RUNX2 protein (p.Arg115Gly). This variant is not present in population databases (gnomAD no frequency). This variant has not been reported in the literature in individuals affected with RUNX2-related conditions. Invitae Evidence Modeling of protein sequence and biophysical properties (such as structural, functional, and spatial information, amino acid conservation, physicochemical variation, residue mobility, and thermodynamic stability) has been performed for this missense variant. However, the output from this modeling did not meet the statistical confidence thresholds required to predict the impact of this variant on RUNX2 protein function. In summary, the available evidence is currently insufficient to determine the role of this variant in disease. Therefore, it has been classified as a Variant of Uncertain Significance.

NM_001024630.4(RUNX2):c.343C>G (p.Arg115Gly)

Gene: RUNX2 (RUNX family transcription factor 2; plus strand). Cytogenetic location: 6p21.1.
Variant type: single nucleotide variant.
Coding change: c.343C>G on transcript NM_001024630.4 (MANE Select); coding-DNA position 343, C replaced by G.
Protein change: p.Arg115Gly; replaces arginine 115 with glycine.
Molecular consequence: missense variant.
Genome position (GRCh38, 1-based): chr6:45,422,877, C>G. VCF-style: chr6-45422877-C-G. GRCh37 (hg19) VCF-style: chr6-45390614-C-G.
Other names: c.343C>G, p.Arg115Gly (NM_001015051.4); c.301C>G, p.Arg101Gly (NM_001278478.2, NM_001369405.1); short protein forms R101G, R115G.
Identifiers: ClinVar variation 4770071 (VCV004770071.1).